The following is an entry in ClinVar:

NM_152564.5(VPS13B):c.10241T>C (p.Leu3414Ser)

Gene: VPS13B (vacuolar protein sorting 13 homolog B; plus strand). Cytogenetic location: 8q22.2.
Variant type: single nucleotide variant.
Coding change: c.10241T>C on transcript NM_152564.5 (MANE Select); coding-DNA position 10241, T replaced by C.
Protein change: p.Leu3414Ser; replaces leucine 3414 with serine.
Molecular consequence: missense variant.
Genome position (GRCh38, 1-based): chr8:99,853,630, T>C. VCF-style: chr8-99853630-T-C. GRCh37 (hg19) VCF-style: chr8-100865858-T-C.
Other names: c.10316T>C, p.Leu3439Ser (NM_017890.5); c.10241T>C (NM_152564.4); short protein forms L3439S, L3414S.
Identifiers: ClinVar variation 1353007 (VCV001353007.7), dbSNP rs142411465, ClinGen allele CA4824917.

ClinVar aggregate classification (germline): Uncertain significance. Review status: criteria provided, single submitter (1 of 4 stars). 2 submissions from 2 submitters: Uncertain significance (1). 1 of the submissions does not count toward it. Last evaluated 2022-08-16.

Conditions:
Cohen syndrome (COH1). Also called: PEPPER SYNDROME; Cutis verticis gyrata, retinitis pigmentosa, and sensorineural deafness. Identifiers: Orphanet 193, MedGen C0265223, MONDO:0008999, OMIM 216550.
VPS13B-related disorder. Also called: VPS13B-related condition.

Allele frequency attached by ClinVar (database versions not stated): gnomAD 0.00001 and 0.00002; gnomAD exomes 0.00001; ExAC 0.00002; TOPMed 0.00002; ESP Exome Variant Server 0.00015.

Submissions (2):

Labcorp Genetics (formerly Invitae), Labcorp
Classification: Uncertain significance for Cohen syndrome. Last evaluated: 2022-08-16. Review status: criteria provided, single submitter. Criteria: Invitae Variant Classification Sherloc (09022015). Collection method: clinical testing. Allele origin: germline.
Comment: This sequence change replaces leucine with serine at codon 3439 of the VPS13B protein (p.Leu3439Ser). The leucine residue is weakly conserved and there is a large physicochemical difference between leucine and serine. This variant is present in population databases (rs142411465, gnomAD 0.01%). This variant has not been reported in the literature in individuals affected with VPS13B-related conditions. ClinVar contains an entry for this variant (Variation ID: 1353007). Algorithms developed to predict the effect of missense changes on protein structure and function are either unavailable or do not agree on the potential impact of this missense change (SIFT: "Not Available"; PolyPhen-2: "Benign"; Align-GVGD: "Not Available"). In summary, the available evidence is currently insufficient to determine the role of this variant in disease. Therefore, it has been classified as a Variant of Uncertain Significance.

PreventionGenetics, part of Exact Sciences
Classification: Uncertain significance for VPS13B-related condition. Last evaluated: 2023-10-18. Review status: no assertion criteria provided. Collection method: clinical testing. Allele origin: germline. Not counted in ClinVar's aggregate classification.
Comment: The VPS13B c.10241T>C variant is predicted to result in the amino acid substitution p.Leu3414Ser. To our knowledge, this variant has not been reported in the literature. This variant is reported in 0.018% of alleles in individuals of African descent in gnomAD. At this time, the clinical significance of this variant is uncertain due to the absence of conclusive functional and genetic evidence.